The following is an entry in ClinVar:

NM_001354930.2(RIPK1):c.130A>C (p.Met44Leu)

Gene: RIPK1 (receptor interacting serine/threonine kinase 1; plus strand). Cytogenetic location: 6p25.2.
Variant type: single nucleotide variant.
Coding change: c.130A>C on transcript NM_001354930.2 (MANE Select); coding-DNA position 130, A replaced by C.
Protein change: p.Met44Leu; replaces methionine 44 with leucine.
Molecular consequence: missense variant. On other transcripts: 5 prime UTR variant (4).
Genome position (GRCh38, 1-based): chr6:3,076,953, A>C. VCF-style: chr6-3076953-A-C. GRCh37 (hg19) VCF-style: chr6-3077187-A-C.
Other names: c.-474A>C (NM_001317061.3, NM_001354932.2, NM_001354933.2 and 1 more transcripts); c.130A>C, p.Met44Leu (NM_001354931.2, NM_003804.6); short protein forms M44L.
Identifiers: ClinVar variation 2697539 (VCV002697539.3), dbSNP rs1393554291, ClinGen allele CA362572838.

ClinVar aggregate classification (germline): Uncertain significance (1 of 4 stars; one submission).

Allele frequency attached by ClinVar (database versions not stated): gnomAD exomes below 0.00001.
gnomAD v4.1: 2 of 1,586,298 alleles (0.00013%); highest among the groups gnomAD compares: South Asian, 0.0022%; no homozygotes.

Submission:

Labcorp Genetics (formerly Invitae), Labcorp
Classification: Uncertain significance. Last evaluated: 2023-11-20. Review status: criteria provided, single submitter. Criteria: Invitae Variant Classification Sherloc (09022015). Collection method: clinical testing. Allele origin: germline.
Comment: This sequence change replaces methionine, which is neutral and non-polar, with leucine, which is neutral and non-polar, at codon 44 of the RIPK1 protein (p.Met44Leu). This variant is not present in population databases (gnomAD no frequency). This variant has not been reported in the literature in individuals affected with RIPK1-related conditions. Algorithms developed to predict the effect of missense changes on protein structure and function output the following: SIFT: "Not Available"; PolyPhen-2: "Benign"; Align-GVGD: "Not Available". The leucine amino acid residue is found in multiple mammalian species, which suggests that this missense change does not adversely affect protein function. In summary, the available evidence is currently insufficient to determine the role of this variant in disease. Therefore, it has been classified as a Variant of Uncertain Significance.